The following is an entry in ClinVar:

NM_006642.5(SDCCAG8):c.1259C>T (p.Ala420Val)

Gene: SDCCAG8 (SHH signaling and ciliogenesis regulator SDCCAG8; plus strand). Cytogenetic location: 1q43.
Variant type: single nucleotide variant.
Coding change: c.1259C>T on transcript NM_006642.5 (MANE Select); coding-DNA position 1259, C replaced by T.
Protein change: p.Ala420Val; replaces alanine 420 with valine.
Molecular consequence: missense variant.
Genome position (GRCh38, 1-based): chr1:243,341,076, C>T. VCF-style: chr1-243341076-C-T. GRCh37 (hg19) VCF-style: chr1-243504378-C-T.
Other names: c.356C>T, p.Ala119Val (NM_001350246.2, NM_001350247.2, NM_001350251.2); c.1355C>T, p.Ala452Val (NM_001350248.2); c.965C>T, p.Ala322Val (NM_001350249.2); short protein forms A322V, A420V, A119V, A452V.
Identifiers: ClinVar variation 4986956 (VCV004986956.1).

ClinVar aggregate classification (germline): Uncertain significance (1 of 4 stars; one submission).

Conditions:
SDCCAG8-related disorder. Also called: SDCCAG8-related condition; SDCCAG8-Related Disorders.

gnomAD v4.1: 4 of 1,613,104 alleles (0.00025%); highest among the groups gnomAD compares: South Asian, 0.0011%; no homozygotes.

Submission:

PreventionGenetics, part of Exact Sciences
Classification: Uncertain significance for SDCCAG8-related condition. Last evaluated: 2025-05-15. Review status: criteria provided, single submitter. Criteria: ACMG Guidelines, 2015. Collection method: clinical testing. Allele origin: germline.
Comment: The SDCCAG8 c.1259C>T variant is predicted to result in the amino acid substitution p.Ala420Val. To our knowledge, this variant has not been reported in the literature or in a large population database (gnomAD), indicating this variant is rare. At this time, the clinical significance of this variant is uncertain due to the absence of conclusive functional and genetic evidence.